The following is an entry in ClinVar:

ClinVar aggregate classification (germline): Uncertain significance (1 of 4 stars; one submission).

Allele frequency attached by ClinVar (database versions not stated): gnomAD 0.00003; gnomAD exomes 0.00003; ExAC 0.00028; 1000 Genomes Project 30x 0.00031; 1000 Genomes Project 0.00040.
gnomAD v4.1: 45 of 1,354,310 alleles (0.0033%); highest among the groups gnomAD compares: South Asian, 0.046%; no homozygotes.

Submission:

Labcorp Genetics (formerly Invitae), Labcorp
Classification: Uncertain significance. Last evaluated: 2025-08-13. Review status: criteria provided, single submitter. Criteria: Invitae Variant Classification Sherloc (09022015). Collection method: clinical testing. Allele origin: germline.
Comment: This sequence change falls in intron 6 of the WDR4 gene. It does not directly change the encoded amino acid sequence of the WDR4 protein. It affects a nucleotide within the consensus splice site. This variant is present in population databases (rs557428891, gnomAD 0.05%). This variant has not been reported in the literature in individuals affected with WDR4-related conditions. ClinVar contains an entry for this variant (Variation ID: 2165628). Variants that disrupt the consensus splice site are a relatively common cause of aberrant splicing (PMID: 17576681, 9536098). Algorithms developed to predict the effect of sequence changes on RNA splicing suggest that this variant is not likely to affect RNA splicing. In summary, the available evidence is currently insufficient to determine the role of this variant in disease. Therefore, it has been classified as a Variant of Uncertain Significance.

Literature cited by the submitters: PubMed 17576681; PubMed 9536098.

NM_018669.6(WDR4):c.627+3A>G

Gene: WDR4 (WDR4 tRNA N7-guanosine methyltransferase non-catalytic subunit; minus strand). Cytogenetic location: 21q22.3.
Variant type: single nucleotide variant.
Coding change: c.627+3A>G on transcript NM_018669.6 (MANE Select); 3 bases into the intron after coding-DNA position 627, A replaced by G.
Molecular consequence: intron variant.
Genome position (GRCh38, 1-based): chr21:42,859,659, T>C on the plus strand (A>G on the coding strand, the complement: WDR4 is on the minus strand). VCF-style: chr21-42859659-T-C. GRCh37 (hg19) VCF-style: chr21-44279769-T-C.
Other names: c.627+3A>G (NM_033661.5, NM_001260474.2); c.189+3A>G (NM_001260476.2, NM_001260475.2, NM_001260477.2).
Identifiers: ClinVar variation 2165628 (VCV002165628.4), dbSNP rs557428891, ClinGen allele CA10046017.